The following is an entry in ClinVar:

NM_020937.4(FANCM):c.4645G>A (p.Glu1549Lys)

Gene: FANCM (FA complementation group M; plus strand). Cytogenetic location: 14q21.2.
Variant type: single nucleotide variant.
Coding change: c.4645G>A on transcript NM_020937.4 (MANE Select); coding-DNA position 4645, G replaced by A.
Protein change: p.Glu1549Lys; replaces glutamic acid 1549 with lysine.
Molecular consequence: missense variant.
Genome position (GRCh38, 1-based): chr14:45,185,346, G>A. VCF-style: chr14-45185346-G-A. GRCh37 (hg19) VCF-style: chr14-45654549-G-A.
Other names: c.4567G>A, p.Glu1523Lys (NM_001308133.2); short protein forms E1549K, E1523K.
Identifiers: ClinVar variation 2841229 (VCV002841229.3), dbSNP rs2503229597, ClinGen allele CA389608353.

ClinVar aggregate classification (germline): Uncertain significance (1 of 4 stars; one submission).

Conditions:
Fanconi anemia (FA). Also called: Fanconi's anemia. Identifiers: Orphanet 84, MedGen C0015625, MeSH D005199, MONDO:0019391.

Submission:

Labcorp Genetics (formerly Invitae), Labcorp
Classification: Uncertain significance for Fanconi anemia. Last evaluated: 2023-02-27. Review status: criteria provided, single submitter. Criteria: Invitae Variant Classification Sherloc (09022015). Collection method: clinical testing. Allele origin: germline.
Comment: An algorithm developed to predict the effect of missense changes on protein structure and function (PolyPhen-2) suggests that this variant is likely to be tolerated. In summary, the available evidence is currently insufficient to determine the role of this variant in disease. Therefore, it has been classified as a Variant of Uncertain Significance. This variant has not been reported in the literature in individuals affected with FANCM-related conditions. This sequence change replaces glutamic acid, which is acidic and polar, with lysine, which is basic and polar, at codon 1549 of the FANCM protein (p.Glu1549Lys). This variant is not present in population databases (gnomAD no frequency).